The following is an entry in ClinVar:

NM_005159.5(ACTC1):c.951G>T (p.Lys317Asn)

Genes: GJD2-DT (GJD2 divergent transcript; plus strand), ACTC1 (actin alpha cardiac muscle 1; minus strand). Cytogenetic location: 15q14.
Variant type: single nucleotide variant.
Coding change: c.951G>T on transcript NM_005159.5 (MANE Select); coding-DNA position 951, G replaced by T.
Protein change: p.Lys317Asn; replaces lysine 317 with asparagine.
Molecular consequence: missense variant.
Genome position (GRCh38, 1-based): chr15:34,791,153, C>A on the plus strand (G>T on the coding strand, the complement: ACTC1 is on the minus strand). VCF-style: chr15-34791153-C-A. GRCh37 (hg19) VCF-style: chr15-35083354-C-A.
Other names: c.951G>T, p.Lys317Asn (NM_001406482.1, NM_001406483.1); c.816G>T, p.Lys272Asn (NM_001406484.1); c.510G>T, p.Lys170Asn (NM_001406485.1); short protein forms K170N, K272N, K317N.
Identifiers: ClinVar variation 2950148 (VCV002950148.3), dbSNP rs2504177349, ClinGen allele CA391629353.
Genomic context (GRCh38, chr15:34,791,153, plus strand): 5'-CCACTCACAAAAGTTCTTTACCTTAATCTTCATGGTGCTAGGAGCCAGAGCAGTGATTTC[C>A]TTCTGCATACGATCAGCAATACCAGGGTACATAGTGGTGCCTCCAGATAAGACATTGTTG-3'
Protein context (NP_005150.1, residues 307-327): MYPGIADRMQ[Lys317Asn]EITALAPSTM

ClinVar aggregate classification (germline): Likely pathogenic (1 of 4 stars; one submission).

Conditions:
Hypertrophic cardiomyopathy 11. Also called: ACTC1-Related Familial Hypertrophic Cardiomyopathy. Identifiers: MedGen C2677506, MONDO:0012799, OMIM 612098.
Dilated cardiomyopathy 1R (CMD1R). Identifiers: Orphanet 154, Orphanet 54260, MedGen C3150681, MONDO:0013261, OMIM 613424.
Atrial septal defect 5 (ASD5). Identifiers: Orphanet 1478, MedGen C2748552, MONDO:0013011, OMIM 612794.

Submission:

Labcorp Genetics (formerly Invitae), Labcorp
Classification: Likely pathogenic for Dilated cardiomyopathy 1R; Hypertrophic cardiomyopathy 11; Atrial septal defect 5. Last evaluated: 2023-08-14. Review status: criteria provided, single submitter. Criteria: Invitae Variant Classification Sherloc (09022015). Collection method: clinical testing. Allele origin: germline.
Comment: This variant is not present in population databases (gnomAD no frequency). This sequence change replaces lysine, which is basic and polar, with asparagine, which is neutral and polar, at codon 317 of the ACTC1 protein (p.Lys317Asn). This missense change has been observed in individual(s) with clinical features of dilated cardiomyopathy (Invitae). In at least one individual the variant was observed to be de novo. Advanced modeling of protein sequence and biophysical properties (such as structural, functional, and spatial information, amino acid conservation, physicochemical variation, residue mobility, and thermodynamic stability) performed at Invitae indicates that this missense variant is not expected to disrupt ACTC1 protein function. In summary, the currently available evidence indicates that the variant is pathogenic, but additional data are needed to prove that conclusively. Therefore, this variant has been classified as Likely Pathogenic.